The following is an entry in ClinVar:

NM_000278.5(PAX2):c.76G>T (p.Val26Leu)

Gene: PAX2 (paired box 2; plus strand). Cytogenetic location: 10q24.31.
Variant type: single nucleotide variant.
Coding change: c.76G>T on transcript NM_000278.5 (MANE Select); coding-DNA position 76, G replaced by T.
Protein change: p.Val26Leu; replaces valine 26 with leucine.
Molecular consequence: missense variant.
Genome position (GRCh38, 1-based): chr10:100,749,778, G>T. VCF-style: chr10-100749778-G-T. GRCh37 (hg19) VCF-style: chr10-102509535-G-T.
Other names: c.169G>T, p.Val57Leu (NM_001304569.2); c.76G>T, p.Val26Leu (NM_003987.5, NM_003988.5, NM_003989.5 and 1 more transcripts); short protein forms V26L, V57L.
Identifiers: ClinVar variation 1409546 (VCV001409546.8), dbSNP rs1022509510, ClinGen allele CA378257476.

ClinVar aggregate classification (germline): Uncertain significance. Review status: criteria provided, multiple submitters, no conflicts (2 of 4 stars). 2 submissions from 2 submitters: Uncertain significance (2). Last evaluated 2024-11-21.

Conditions:
Renal coloboma syndrome (PAPRS). Also called: COLOBOMA OF OPTIC NERVE WITH RENAL DISEASE; PAPILLORENAL SYNDROME WITH MILD OCULAR ABNORMALITIES; PAPILLORENAL SYNDROME; CONGENITAL ANOMALIES OF THE KIDNEY AND URINARY TRACT WITH OR WITHOUT OCULAR ABNORMALITIES; CAKUT WITH OR WITHOUT OCULAR ABNORMALITIES; OPTIC COLOBOMA, VESICOURETERAL REFLUX, AND RENAL ANOMALIES. Identifiers: Orphanet 1475, MedGen C1852759, MONDO:0007352, OMIM 120330.
Focal segmental glomerulosclerosis 7 (FSGS7). Identifiers: Orphanet 656, MedGen C4014925, MONDO:0014451, OMIM 616002.

gnomAD v4.1: 1 of 1,612,086 alleles (0.000062%); highest among the groups gnomAD compares: South Asian, 0.0011%; no homozygotes.

Submissions (2):

Institute of Human Genetics, University of Leipzig Medical Center
Classification: Uncertain significance for Renal coloboma syndrome. Last evaluated: 2024-11-21. Review status: criteria provided, single submitter. Criteria: ACMG Guidelines, 2015. Collection method: clinical testing. Allele origin: unknown. Inheritance: Autosomal dominant inheritance. Affected: yes.
Comment: Criteria applied: PM1,PM2_SUP,PP2,PP3

Labcorp Genetics (formerly Invitae), Labcorp
Classification: Uncertain significance for Renal coloboma syndrome; Focal segmental glomerulosclerosis 7. Last evaluated: 2024-01-02. Review status: criteria provided, single submitter. Criteria: Invitae Variant Classification Sherloc (09022015). Collection method: clinical testing. Allele origin: germline.
Comment: This sequence change replaces valine with leucine at codon 26 of the PAX2 protein (p.Val26Leu). The valine residue is highly conserved and there is a small physicochemical difference between valine and leucine. This variant is not present in population databases (gnomAD no frequency). This variant has not been reported in the literature in individuals affected with PAX2-related conditions. ClinVar contains an entry for this variant (Variation ID: 1409546). Experimental studies and prediction algorithms are not available or were not evaluated, and the functional significance of this variant is currently unknown. In summary, the available evidence is currently insufficient to determine the role of this variant in disease. Therefore, it has been classified as a Variant of Uncertain Significance.